The following is an entry in ClinVar:

ClinVar aggregate classification (germline): Uncertain significance (1 of 4 stars; one submission).

Conditions:
Hereditary cancer-predisposing syndrome. Also called: Neoplastic Syndromes, Hereditary; Tumor predisposition; Hereditary Cancer Syndrome; Hereditary neoplastic syndrome. Identifiers: Orphanet 140162, MedGen C0027672, MeSH D009386, MONDO:0015356.

Allele frequency attached by ClinVar (database versions not stated): gnomAD exomes below 0.00001.
gnomAD v4.1: 1 of 1,614,228 alleles (0.000062%); highest among the groups gnomAD compares: Non-Finnish European, 0.000085%; no homozygotes.

Submission:

Ambry Genetics
Classification: Uncertain significance for Hereditary cancer-predisposing syndrome. Last evaluated: 2020-05-27. Review status: criteria provided, single submitter. Criteria: Ambry Variant Classification Scheme 2023. Collection method: clinical testing. Allele origin: germline.
Comment: The p.L109Q variant (also known as c.326T>A), located in coding exon 2 of the MSH6 gene, results from a T to A substitution at nucleotide position 326. The leucine at codon 109 is replaced by glutamine, an amino acid with dissimilar properties. This amino acid position is well conserved in available vertebrate species. In addition, the in silico prediction for this alteration is inconclusive. Since supporting evidence is limited at this time, the clinical significance of this alteration remains unclear.

NM_000179.3(MSH6):c.326T>A (p.Leu109Gln)

Gene: MSH6 (mutS homolog 6; plus strand). Cytogenetic location: 2p16.3.
Variant type: single nucleotide variant.
Coding change: c.326T>A on transcript NM_000179.3 (MANE Select); coding-DNA position 326, T replaced by A.
Protein change: p.Leu109Gln; replaces leucine 109 with glutamine.
Molecular consequence: missense variant. On other transcripts: intron variant (1), 5 prime UTR variant (2).
Genome position (GRCh38, 1-based): chr2:47,790,992, T>A. VCF-style: chr2-47790992-T-A. GRCh37 (hg19) VCF-style: chr2-48018131-T-A.
Other names: c.326T>A, p.Leu109Gln (NM_001407362.1, NM_001406796.1, NM_001406798.1 and 6 more transcripts); c.237+7522T>A (NM_001281492.2); c.-411T>A (NM_001281493.2, NM_001406811.1, NM_001406823.1 and 1 more transcripts); c.-577T>A (NM_001281494.2); c.422T>A, p.Leu141Gln (NM_001406795.1, NM_001406802.1); c.29T>A, p.Leu10Gln (NM_001406797.1, NM_001406801.1, NM_001406805.1 and 10 more transcripts); c.248T>A, p.Leu83Gln (NM_001406804.1); c.-603T>A (NM_001406807.1); and 2 more; short protein forms L53Q, L141Q, L109Q, L83Q, L10Q.
Identifiers: ClinVar variation 1729612 (VCV001729612.2), dbSNP rs2530434054, ClinGen allele CA346736938.